The following is an entry in ClinVar:

NM_001375808.2(LPIN2):c.120T>C (p.Asp40=)

Gene: LPIN2 (lipin 2; minus strand). Cytogenetic location: 18p11.31.
Variant type: single nucleotide variant.
Coding change: c.120T>C on transcript NM_001375808.2 (MANE Select); coding-DNA position 120, T replaced by C.
Protein change: p.Asp40=; no amino-acid change (aspartic acid 40 retained).
Molecular consequence: synonymous variant.
Genome position (GRCh38, 1-based): chr18:2,960,721, A>G on the plus strand (T>C on the coding strand, the complement: LPIN2 is on the minus strand). VCF-style: chr18-2960721-A-G. GRCh37 (hg19) VCF-style: chr18-2960719-A-G.
Other names: p.D40D:GAT>GAC; c.120T>C, p.Asp40= (NM_001375809.1, NM_014646.2).
Identifiers: ClinVar variation 138127 (VCV000138127.17), dbSNP rs143261167, ClinGen allele CA291941.

ClinVar aggregate classification (germline): Benign/Likely benign. Review status: criteria provided, multiple submitters, no conflicts (2 of 4 stars). 5 submissions from 5 submitters: Benign (2); Likely benign (3). Last evaluated 2026-01-26.

Conditions:
Autoinflammatory syndrome. Identifiers: Orphanet 93665, MedGen C3890737, MONDO:0019751.
Majeed syndrome (MJDS). Also called: LPIN2-Related Majeed Syndrome; CHRONIC RECURRENT MULTIFOCAL OSTEOMYELITIS 1, WITH CONGENITAL DYSERYTHROPOIETIC ANEMIA, WITH OR WITHOUT NEUTROPHILIC DERMATOSIS. Identifiers: Orphanet 77297, MedGen C1864997, MONDO:0012316, OMIM 609628.

Allele frequency attached by ClinVar (database versions not stated): gnomAD exomes 0.00020 and 0.00059; ExAC 0.00068; ESP Exome Variant Server 0.00200; gnomAD 0.00223 and 0.00243; TOPMed 0.00251; 1000 Genomes Project 0.00280; 1000 Genomes Project 30x 0.00297.
gnomAD v4.1: 655 of 1,614,086 alleles (0.041%); highest among the groups gnomAD compares: African/African-American, 0.76%; 6 homozygotes.

Submissions (5):

Labcorp Genetics (formerly Invitae), Labcorp
Classification: Benign for Majeed syndrome. Last evaluated: 2026-01-26. Review status: criteria provided, single submitter. Criteria: Invitae Variant Classification Sherloc (09022015). Collection method: clinical testing. Allele origin: germline.

ARUP Laboratories, Molecular Genetics and Genomics, ARUP Laboratories
Classification: Likely benign for Majeed syndrome. Last evaluated: 2025-04-02. Review status: criteria provided, single submitter. Criteria: ARUP Molecular Germline Variant Investigation Process 2024. Collection method: clinical testing. Allele origin: germline.

Blueprint Genetics
Classification: Likely benign. Last evaluated: 2024-08-21. Review status: criteria provided, single submitter. Criteria: ACMG Guidelines, 2015. Collection method: clinical testing. Allele origin: germline.

Genome Diagnostics Laboratory, The Hospital for Sick Children
Classification: Likely benign for Autoinflammatory syndrome. Last evaluated: 2022-02-25. Review status: criteria provided, single submitter. Criteria: ACMG Guidelines, 2015. Collection method: clinical testing. Allele origin: germline. Affected: yes.

GeneDx
Classification: Benign. Last evaluated: 2011-07-15. Review status: criteria provided, single submitter. Criteria: GeneDx Variant Classification (06012015). Collection method: clinical testing. Allele origin: germline. Affected: yes.
Comment: This variant is considered likely benign or benign based on one or more of the following criteria: it is a conservative change, it occurs at a poorly conserved position in the protein, it is predicted to be benign by multiple in silico algorithms, and/or has population frequency not consistent with disease.